The following is an entry in ClinVar:

ClinVar aggregate classification (germline): Benign (1 of 4 stars; one submission).

Submission:

Mayo Clinic Laboratories, Mayo Clinic
Classification: Benign. Last evaluated: 2025-03-19. Review status: criteria provided, single submitter. Criteria: ACMG Guidelines, 2015. Collection method: clinical testing. Allele origin: germline. Observed: 2 variant alleles.
Comment: BS1, BS2, BP4_moderate

NM_001778.4(CD48):c.722T>C (p.Leu241Ser)

Gene: CD48 (CD48 molecule; minus strand). Cytogenetic location: 1q23.3.
Variant type: single nucleotide variant.
Coding change: c.722T>C on transcript NM_001778.4 (MANE Select); coding-DNA position 722, T replaced by C.
Protein change: p.Leu241Ser; replaces leucine 241 with serine.
Molecular consequence: missense variant.
Genome position (GRCh38, 1-based): chr1:160,679,062, A>G on the plus strand (T>C on the coding strand, the complement: CD48 is on the minus strand). VCF-style: chr1-160679062-A-G. GRCh37 (hg19) VCF-style: chr1-160648852-A-G.
Other names: p.Leu241Ser; short protein forms L241S.
Identifiers: ClinVar variation 4683728 (VCV004683728.1).